The following is an entry in ClinVar:

NM_000629.3(IFNAR1):c.1301C>G (p.Thr434Ser)

Gene: IFNAR1 (interferon alpha and beta receptor subunit 1; plus strand). Cytogenetic location: 21q22.11.
Variant type: single nucleotide variant.
Coding change: c.1301C>G on transcript NM_000629.3 (MANE Select); coding-DNA position 1301, C replaced by G.
Protein change: p.Thr434Ser; replaces threonine 434 with serine.
Molecular consequence: missense variant. On other transcripts: intron variant (1).
Genome position (GRCh38, 1-based): chr21:33,353,644, C>G. VCF-style: chr21-33353644-C-G. GRCh37 (hg19) VCF-style: chr21-34725950-C-G.
Other names: c.1301C>G, p.Thr434Ser (NM_001384498.1, NM_001384503.1); c.539C>G, p.Thr180Ser (NM_001384500.1); c.1286C>G, p.Thr429Ser (NM_001384501.1); c.839C>G, p.Thr280Ser (NM_001384502.1); c.1094C>G, p.Thr365Ser (NM_001384504.1); c.1294+736C>G (NM_001384499.1); short protein forms T280S, T365S, T180S, T429S, T434S.
Identifiers: ClinVar variation 1480757 (VCV001480757.6), dbSNP rs1226713825, ClinGen allele CA410110479.

ClinVar aggregate classification (germline): Uncertain significance (1 of 4 stars; one submission).

gnomAD v4.1: 9 of 1,541,006 alleles (0.00058%); highest among the groups gnomAD compares: Non-Finnish European, 0.00079%; no homozygotes.

Submission:

Labcorp Genetics (formerly Invitae), Labcorp
Classification: Uncertain significance. Last evaluated: 2023-07-17. Review status: criteria provided, single submitter. Criteria: Invitae Variant Classification Sherloc (09022015). Collection method: clinical testing. Allele origin: germline.
Comment: In summary, the available evidence is currently insufficient to determine the role of this variant in disease. Therefore, it has been classified as a Variant of Uncertain Significance. Algorithms developed to predict the effect of sequence changes on RNA splicing suggest that this variant may disrupt the consensus splice site. Algorithms developed to predict the effect of missense changes on protein structure and function output the following: SIFT: "Not Available"; PolyPhen-2: "Benign"; Align-GVGD: "Not Available". The serine amino acid residue is found in multiple mammalian species, which suggests that this missense change does not adversely affect protein function. ClinVar contains an entry for this variant (Variation ID: 1480757). This variant has not been reported in the literature in individuals affected with IFNAR1-related conditions. This variant is not present in population databases (gnomAD no frequency). This sequence change replaces threonine, which is neutral and polar, with serine, which is neutral and polar, at codon 434 of the IFNAR1 protein (p.Thr434Ser).